The following is an entry in ClinVar:

ClinVar aggregate classification (germline): Pathogenic (1 of 4 stars; one submission).

Conditions:
Dystonia 12 (DYT12). Also called: DYT-ATP1A3; Rapid-Onset Dystonia-Parkinsonism (RDP). Identifiers: Orphanet 71517, MedGen C1868681, MONDO:0007496, OMIM 128235.

Submission:

Labcorp Genetics (formerly Invitae), Labcorp
Classification: Pathogenic for Dystonia 12. Last evaluated: 2026-01-15. Review status: criteria provided, single submitter. Criteria: Invitae Variant Classification Sherloc (09022015). Collection method: clinical testing. Allele origin: germline.
Comment: This sequence change creates a premature translational stop signal (p.Lys477*) in the ATP1A3 gene. It is expected to result in an absent or disrupted protein product. Loss-of-function variants in ATP1A3 are known to be pathogenic (PMID: 24631656, 24983657). This variant is not present in population databases (gnomAD no frequency). This variant has not been reported in the literature in individuals affected with ATP1A3-related conditions. ClinVar contains an entry for this variant (Variation ID: 1357866). For these reasons, this variant has been classified as Pathogenic.

Literature cited by the submitters: PubMed 24631656; PubMed 24983657.

NM_152296.5(ATP1A3):c.1429A>T (p.Lys477Ter)

Gene: ATP1A3 (ATPase Na+/K+ transporting subunit alpha 3; minus strand). Cytogenetic location: 19q13.2.
Variant type: single nucleotide variant.
Coding change: c.1429A>T on transcript NM_152296.5 (MANE Select); coding-DNA position 1429, A replaced by T.
Protein change: p.Lys477Ter; replaces lysine 477 with a stop codon.
Molecular consequence: nonsense.
Genome position (GRCh38, 1-based): chr19:41,981,510, T>A on the plus strand (A>T on the coding strand, the complement: ATP1A3 is on the minus strand). VCF-style: chr19-41981510-T-A. GRCh37 (hg19) VCF-style: chr19-42485662-T-A.
Other names: c.1462A>T, p.Lys488Ter (NM_001256213.2); c.1468A>T, p.Lys490Ter (NM_001256214.2); short protein forms K490*, K477*, K488*.
Identifiers: ClinVar variation 1357866 (VCV001357866.6), dbSNP rs2145971509, ClinGen allele CA406049212.